The following is an entry in ClinVar:

NM_182914.3(SYNE2):c.8929del (p.Val2977fs)

Gene: SYNE2 (spectrin repeat containing nuclear envelope protein 2; plus strand). Cytogenetic location: 14q23.2.
Variant type: Deletion.
Coding change: c.8929del on transcript NM_182914.3 (MANE Select); coding-DNA position 8929, one base deleted (G; older notation c.8929delG).
Protein change: p.Val2977fs; shifts the reading frame from valine 2977.
Molecular consequence: frameshift variant.
Genome position (GRCh38, 1-based): chr14:64,052,842, G deleted. VCF-style (leftmost placement, unchanged base first): chr14-64052841-TG-T. GRCh37 (hg19) VCF-style: chr14-64519559-TG-T.
Other names: c.8929del, p.Val2977fs (NM_015180.6); short protein forms V2977fs.
Identifiers: ClinVar variation 3634282 (VCV003634282.1).

ClinVar aggregate classification (germline): Uncertain significance (1 of 4 stars; one submission).

Conditions:
Emery-Dreifuss muscular dystrophy 5, autosomal dominant (EDMD5). Also called: EMERY-DREIFUSS MUSCULAR DYSTROPHY 5. Identifiers: Orphanet 261, MedGen C2751805, MONDO:0013072, OMIM 612999.

Submission:

Labcorp Genetics (formerly Invitae), Labcorp
Classification: Uncertain significance for Emery-Dreifuss muscular dystrophy 5, autosomal dominant. Last evaluated: 2024-11-19. Review status: criteria provided, single submitter. Criteria: Invitae Variant Classification Sherloc (09022015). Collection method: clinical testing. Allele origin: germline.
Comment: This sequence change creates a premature translational stop signal (p.Val2977Leufs*23) in the SYNE2 gene. It is expected to result in an absent or disrupted protein product. However, the current clinical and genetic evidence is not sufficient to establish whether loss-of-function variants in SYNE2 cause disease. This variant is present in population databases (no rsID available, gnomAD 0.003%). This variant has not been reported in the literature in individuals affected with SYNE2-related conditions. In summary, the available evidence is currently insufficient to determine the role of this variant in disease. Therefore, it has been classified as a Variant of Uncertain Significance.